The following is an entry in ClinVar:

NM_201253.3(CRB1):c.344_356dup (p.Cys119fs)

Gene: CRB1 (crumbs cell polarity complex component 1; plus strand). Cytogenetic location: 1q31.3.
Variant type: Duplication.
Coding change: c.344_356dup on transcript NM_201253.3 (MANE Select); coding-DNA positions 344 to 356, 13 bases duplicated (GCAAGAACTCCTG).
Protein change: p.Cys119fs; shifts the reading frame from cysteine 119.
Molecular consequence: frameshift variant. On other transcripts: non-coding transcript variant (2).
Genome position (GRCh38, 1-based): chr1:197,328,695-197,328,707, GCAAGAACTCCTG duplicated; duplicating any 13 consecutive bases within chr1:197,328,693-197,328,707 gives the same sequence; the c. name uses the placement nearest the transcript's 3' end. VCF-style (leftmost placement, unchanged base first): chr1-197328692-G-GTGGCAAGAACTCC. GRCh37 (hg19) VCF-style: chr1-197297822-G-GTGGCAAGAACTCC.
Other names: c.344_356dup, p.Cys119fs (NM_001193640.2, NM_001257966.2); c.137_149dup, p.Cys50fs (NM_001257965.2); short protein forms C119fs, C50fs.
Identifiers: ClinVar variation 2942207 (VCV002942207.3), dbSNP rs2465028490, ClinGen allele CA2740090434.
Genomic context (GRCh38, chr1:197,328,692, plus strand): 5'-TTCTGTGCAAATGTCCTCCTGGGTACAGTGGGACAATCTGTGAAACTACCATTGGTTCCT[G>GTGGCAAGAACTCC]TGGCAAGAACTCCTGCCAACATGGAGGTATTTGCCATCAGGACCCTATTTATCCTGTCTG-3'

ClinVar aggregate classification (germline): Pathogenic (1 of 4 stars; one submission).

Conditions:
Retinitis pigmentosa 12 (RP12). Also called: RP WITH OR WITHOUT PPRPE; RP WITH OR WITHOUT PRESERVED PARAARTERIOLE RETINAL PIGMENT EPITHELIUM; RETINITIS PIGMENTOSA WITH OR WITHOUT PARAARTERIOLAR PRESERVATION OF RETINAL PIGMENT EPITHELIUM. Identifiers: Orphanet 791, MedGen C1838647, MONDO:0010818, OMIM 600105.
Leber congenital amaurosis 8 (LCA8). Identifiers: Orphanet 65, MedGen C3151202, MONDO:0013453, OMIM 613835.

Submission:

Labcorp Genetics (formerly Invitae), Labcorp
Classification: Pathogenic for Leber congenital amaurosis 8; Retinitis pigmentosa 12. Last evaluated: 2022-12-16. Review status: criteria provided, single submitter. Criteria: Invitae Variant Classification Sherloc (09022015). Collection method: clinical testing. Allele origin: germline.
Comment: This sequence change creates a premature translational stop signal (p.Cys119Trpfs*32) in the CRB1 gene. It is expected to result in an absent or disrupted protein product. Loss-of-function variants in CRB1 are known to be pathogenic (PMID: 10508521, 22065545, 23379534, 25412400, 26957898, 28041643, 29391521). This variant is not present in population databases (gnomAD no frequency). This variant has not been reported in the literature in individuals affected with CRB1-related conditions. For these reasons, this variant has been classified as Pathogenic.

Literature cited by the submitters: PubMed 10508521; PubMed 22065545; PubMed 23379534; PubMed 25412400; PubMed 26957898; PubMed 28041643; PubMed 29391521.